The following is an entry in ClinVar:

ClinVar aggregate classification (germline): Uncertain significance. Review status: criteria provided, multiple submitters, no conflicts (2 of 4 stars). 2 submissions from 2 submitters: Uncertain significance (2). Last evaluated 2026-01-08.

gnomAD v4.1: 11 of 1,612,436 alleles (0.00068%); highest among the groups gnomAD compares: Non-Finnish European, 0.00093%; no homozygotes.

Submissions (2):

Labcorp Genetics (formerly Invitae), Labcorp
Classification: Uncertain significance. Last evaluated: 2026-01-08. Review status: criteria provided, single submitter. Criteria: Invitae Variant Classification Sherloc (09022015). Collection method: clinical testing. Allele origin: germline.
Comment: This sequence change replaces leucine, which is neutral and non-polar, with methionine, which is neutral and non-polar, at codon 1014 of the ARHGEF10 protein (p.Leu1014Met). This variant is present in population databases (rs764495121, gnomAD 0.002%). This variant has not been reported in the literature in individuals affected with ARHGEF10-related conditions. Invitae Evidence Modeling of protein sequence and biophysical properties (such as structural, functional, and spatial information, amino acid conservation, physicochemical variation, residue mobility, and thermodynamic stability) has been performed for this missense variant. However, the output from this modeling did not meet the statistical confidence thresholds required to predict the impact of this variant on ARHGEF10 protein function. In summary, the available evidence is currently insufficient to determine the role of this variant in disease. Therefore, it has been classified as a Variant of Uncertain Significance.

CeGaT Center for Human Genetics Tuebingen
Classification: Uncertain significance. Last evaluated: 2025-10-01. Review status: criteria provided, single submitter. Criteria: CeGaT Center For Human Genetics Tuebingen Variant Classification Criteria Version 2. Collection method: clinical testing. Allele origin: germline. Affected: yes. Observed: 1 variant allele.
Comment: ARHGEF10: PM2:Supporting, BP4

NM_014629.4(ARHGEF10):c.3040C>A (p.Leu1014Met)

Gene: ARHGEF10 (Rho guanine nucleotide exchange factor 10; plus strand). Cytogenetic location: 8p23.3.
Variant type: single nucleotide variant.
Coding change: c.3040C>A on transcript NM_014629.4 (MANE Select); coding-DNA position 3040, C replaced by A.
Protein change: p.Leu1014Met; replaces leucine 1014 with methionine.
Molecular consequence: missense variant.
Genome position (GRCh38, 1-based): chr8:1,929,404, C>A. VCF-style: chr8-1929404-C-A. GRCh37 (hg19) VCF-style: chr8-1877570-C-A.
Other names: c.2926C>A, p.Leu976Met (NM_001308152.2, NM_001438094.1); c.3040C>A, p.Leu1014Met (NM_001308153.3); c.3043C>A, p.Leu1015Met (NM_001438091.1); c.2923C>A, p.Leu975Met (NM_001438092.1, NM_001438093.1); short protein forms L1014M, L1015M, L1038M, L975M, L976M.
Identifiers: ClinVar variation 4534302 (VCV004534302.7).
Genomic context (GRCh38, chr8:1,929,404, plus strand): 5'-ACTCCTGAGAAGTCCACAGTCATGAGCCTGGCTTGCACGTCTCAGAGCCTGTACGCTGGC[C>A]TGGTCAACGGGGCAGTCGCCAGCTACGCCAGAGCCCCAGGTGAGGCGGGTCTCACGGCCT-3'
Protein context (NP_055444.2, residues 1004-1024): ACTSQSLYAG[Leu1014Met]VNGAVASYAR